The following is an entry in ClinVar:

NM_004667.6(HERC2):c.8512G>A (p.Asp2838Asn)

Gene: HERC2 (HECT and RLD domain containing E3 ubiquitin protein ligase 2; minus strand). Cytogenetic location: 15q13.1.
Variant type: single nucleotide variant.
Coding change: c.8512G>A on transcript NM_004667.6 (MANE Select); coding-DNA position 8512, G replaced by A.
Protein change: p.Asp2838Asn; replaces aspartic acid 2838 with asparagine.
Molecular consequence: missense variant.
Genome position (GRCh38, 1-based): chr15:28,191,184, C>T on the plus strand (G>A on the coding strand, the complement: HERC2 is on the minus strand). VCF-style: chr15-28191184-C-T. GRCh37 (hg19) VCF-style: chr15-28436330-C-T.
Other names: short protein forms D2838N.
Identifiers: ClinVar variation 2504921 (VCV002504921.1), dbSNP rs1442941861, ClinGen allele CA391390298.
Genomic context (GRCh38, chr15:28,191,184, plus strand): 5'-AACTAACTGAATTACCTGACACTACAACCAGGGACGGCATGTAGCTACTGTCAGCAGGAT[C>T]TACGATCATTTTTAATCTATGAACAAGAACATCTGGGAAAATCTCCAAACGAATCCAGTG-3'
Protein context (NP_004658.3, residues 2828-2848): VLVHRLKMIV[Asp2838Asn]PADSSYMPSL

ClinVar aggregate classification (germline): Uncertain significance (1 of 4 stars; one submission).

Allele frequency attached by ClinVar (database versions not stated): gnomAD exomes below 0.00001; gnomAD 0.00001; TOPMed 0.00002.
gnomAD v4.1: 5 of 1,613,836 alleles (0.00031%); highest among the groups gnomAD compares: African/African-American, 0.0053%; no homozygotes.

Submission:

GeneDx
Classification: Uncertain significance. Last evaluated: 2022-12-06. Review status: criteria provided, single submitter. Criteria: GeneDx Variant Classification Process June 2021. Collection method: clinical testing. Allele origin: germline. Affected: yes.
Comment: In silico analysis supports that this missense variant does not alter protein structure/function; Has not been previously published as pathogenic or benign to our knowledge